The following is an entry in ClinVar:

ClinVar aggregate classification (germline): Conflicting classifications of pathogenicity. Review status: criteria provided, conflicting classifications (1 of 4 stars). 5 submissions from 5 submitters: Uncertain significance (4); Likely benign (1). Last evaluated 2024-09-18.

Conditions:
Cystinuria (CSNU). Also called: CYSTINURIA, TYPE I; CYSTINURIA, TYPE II; CYSTINURIA, TYPE III; Cystinuria, non-type I. Identifiers: Orphanet 214, MedGen C0010691, MONDO:0009067, OMIM 220100, HP:0003131.

Allele frequency attached by ClinVar (database versions not stated): ESP Exome Variant Server 0.00008; gnomAD 0.00014; 1000 Genomes Project 30x 0.00016; TOPMed 0.00019; 1000 Genomes Project 0.00020; ExAC 0.00025; gnomAD exomes 0.00027.
gnomAD v4.1: 121 of 1,613,010 alleles (0.0075%); highest among the groups gnomAD compares: Admixed American, 0.11%; no homozygotes.

Submissions (5):

Blueprint Genetics
Classification: Likely benign. Last evaluated: 2024-09-18. Review status: criteria provided, single submitter. Criteria: ACMG Guidelines, 2015. Collection method: clinical testing. Allele origin: germline.

Fulgent Genetics
Classification: Uncertain significance for Cystinuria. Last evaluated: 2024-01-24. Review status: criteria provided, single submitter. Criteria: ACMG Guidelines, 2015. Collection method: clinical testing. Allele origin: germline.

Labcorp Genetics (formerly Invitae), Labcorp
Classification: Uncertain significance for Cystinuria. Last evaluated: 2022-07-18. Review status: criteria provided, single submitter. Criteria: Invitae Variant Classification Sherloc (09022015). Collection method: clinical testing. Allele origin: germline.
Comment: This sequence change replaces alanine, which is neutral and non-polar, with threonine, which is neutral and polar, at codon 492 of the SLC3A1 protein (p.Ala492Thr). This variant is present in population databases (rs201989712, gnomAD 0.1%). This variant has not been reported in the literature in individuals affected with SLC3A1-related conditions. ClinVar contains an entry for this variant (Variation ID: 618371). Algorithms developed to predict the effect of missense changes on protein structure and function output the following: SIFT: "Tolerated"; PolyPhen-2: "Benign"; Align-GVGD: "Class C0". The threonine amino acid residue is found in multiple mammalian species, which suggests that this missense change does not adversely affect protein function. In summary, the available evidence is currently insufficient to determine the role of this variant in disease. Therefore, it has been classified as a Variant of Uncertain Significance.

ARUP Laboratories, Molecular Genetics and Genomics, ARUP Laboratories
Classification: Uncertain significance. Last evaluated: 2018-05-18. Review status: criteria provided, single submitter. Criteria: ARUP Molecular Germline Variant Investigation Process. Collection method: clinical testing. Allele origin: germline.
Comment: The SLC3A1 c.1474G>A; p.Ala492Thr variant (rs201989712), to our knowledge, has not been reported in the medical literature or gene specific databases. This variant is found in the Latino population with an allele frequency of 0.15% (51/34,356 alleles) in the Genome Aggregation Database. The alanine at codon 492 is weakly conserved and computational analyses (SIFT, PolyPhen-2) predict that this variant is tolerated. However, based on the available information, the clinical significance of this variant is uncertain.

Breakthrough Genomics
Classification: Uncertain significance. Review status: criteria provided, single submitter. Criteria: ACMG Guidelines, 2015. Collection method: not provided. Allele origin: germline. Inheritance: Autosomal recessive inheritance. Affected: yes.

NM_000341.4(SLC3A1):c.1474G>A (p.Ala492Thr)

Gene: SLC3A1 (solute carrier family 3 member 1; plus strand). Cytogenetic location: 2p21.
Variant type: single nucleotide variant.
Coding change: c.1474G>A on transcript NM_000341.4 (MANE Select); coding-DNA position 1474, G replaced by A.
Protein change: p.Ala492Thr; replaces alanine 492 with threonine.
Molecular consequence: missense variant.
Genome position (GRCh38, 1-based): chr2:44,312,727, G>A. VCF-style: chr2-44312727-G-A. GRCh37 (hg19) VCF-style: chr2-44539866-G-A.
Other names: short protein forms A492T.
Identifiers: ClinVar variation 618371 (VCV000618371.17), dbSNP rs201989712, ClinGen allele CA1640595.
Genomic context (GRCh38, chr2:44,312,727, plus strand): 5'-CTCCCTGGAACTCCTATAACTTACTATGGAGAAGAAATTGGAATGGGAAATATTGTAGCC[G>A]CAAATCTCAATGAAAGCTATGATATTGTAAGTTGAATACAACTTGACTATTCATCACAGC-3'
Protein context (NP_000332.2, residues 482-502): EEIGMGNIVA[Ala492Thr]NLNESYDINT